The following is an entry in ClinVar:

NM_001122764.3(PPOX):c.1082dup (p.Gly362fs)

Gene: PPOX (protoporphyrinogen oxidase; plus strand). Cytogenetic location: 1q23.3.
Variant type: Duplication.
Coding change: c.1082dup on transcript NM_001122764.3 (MANE Select); coding-DNA position 1082, one base duplicated (C; older notation c.1082dupC).
Protein change: p.Gly362fs; shifts the reading frame from glycine 362.
Molecular consequence: frameshift variant. On other transcripts: intron variant (1).
Genome position (GRCh38, 1-based): chr1:161,170,503, C duplicated; the last of 6 consecutive C bases (chr1:161,170,498-161,170,503); duplicating any one gives the same sequence. VCF-style (leftmost placement, unchanged base first): chr1-161170497-G-GC. GRCh37 (hg19) VCF-style: chr1-161140287-G-GC.
Other names: p.Gly362Trpfs*19; c.1082dup, p.Gly362fs (NM_000309.5, NM_001365398.1); c.983dup, p.Gly329fs (NM_001350128.2); c.674dup, p.Gly226fs (NM_001350129.2, NM_001365400.1); c.596dup, p.Gly200fs (NM_001350130.2, NM_001350131.2, NM_001365401.1); c.988-117dup (NM_001365399.1); short protein forms G226fs, G200fs, G329fs, G362fs.
Identifiers: ClinVar variation 2202873 (VCV002202873.9), dbSNP rs766602053, ClinGen allele CA1207343.

ClinVar aggregate classification (germline): Pathogenic/Likely pathogenic. Review status: criteria provided, multiple submitters, no conflicts (2 of 4 stars). 4 submissions from 4 submitters: Pathogenic (3); Likely pathogenic (1). Last evaluated 2024-02-05.

Conditions:
PPOX-related disorder. Also called: PPOX-related condition.

Submissions (4):

Blueprint Genetics
Classification: Pathogenic for PPOX-related disorders. Last evaluated: 2024-02-05. Review status: criteria provided, single submitter. Criteria: ACMG Guidelines, 2015. Collection method: clinical testing. Allele origin: germline. Affected: yes. Observed: 2 variant alleles.

Labcorp Genetics (formerly Invitae), Labcorp
Classification: Pathogenic. Last evaluated: 2023-11-18. Review status: criteria provided, single submitter. Criteria: Invitae Variant Classification Sherloc (09022015). Collection method: clinical testing. Allele origin: germline.
Comment: This sequence change creates a premature translational stop signal (p.Gly362Trpfs*19) in the PPOX gene. It is expected to result in an absent or disrupted protein product. Loss-of-function variants in PPOX are known to be pathogenic (PMID: 10486317). This variant is present in population databases (rs766602053, gnomAD 0.003%). This premature translational stop signal has been observed in individual(s) with variegate porphyria or acute hepatic porphyria (PMID: 10486317, 19656457, 25445397). This variant is also known as 1082–1083insC, c.1082dupC. ClinVar contains an entry for this variant (Variation ID: 2202873). For these reasons, this variant has been classified as Pathogenic.

Mayo Clinic Laboratories, Mayo Clinic
Classification: Pathogenic. Last evaluated: 2022-11-29. Review status: criteria provided, single submitter. Criteria: ACMG Guidelines, 2015. Collection method: clinical testing. Allele origin: germline. Observed: 1 variant allele.
Comment: PS4, PVS1

Revvity Omics, Revvity
Classification: Likely pathogenic. Last evaluated: 2022-09-22. Review status: criteria provided, single submitter. Criteria: ACMG Guidelines, 2015. Collection method: clinical testing. Allele origin: germline.

Literature cited by the submitters: PubMed 10486317 (cited by Labcorp Genetics (formerly Invitae), Labcorp and Mayo Clinic Laboratories, Mayo Clinic); PubMed 19656457 (cited by Labcorp Genetics (formerly Invitae), Labcorp and Mayo Clinic Laboratories, Mayo Clinic); PubMed 25445397 (cited by Labcorp Genetics (formerly Invitae), Labcorp and Mayo Clinic Laboratories, Mayo Clinic); PubMed 19656455 (cited by Mayo Clinic Laboratories, Mayo Clinic).